The following is an entry in ClinVar:

ClinVar aggregate classification (germline): Uncertain significance. Review status: criteria provided, multiple submitters, no conflicts (2 of 4 stars). 2 submissions from 2 submitters: Uncertain significance (2). Last evaluated 2022-04-25.

Conditions:
Inborn genetic diseases. Identifiers: MedGen C0950123, MeSH D030342.

Submissions (2):

Labcorp Genetics (formerly Invitae), Labcorp
Classification: Uncertain significance. Last evaluated: 2022-04-25. Review status: criteria provided, single submitter. Criteria: Invitae Variant Classification Sherloc (09022015). Collection method: clinical testing. Allele origin: germline.
Comment: This sequence change replaces lysine, which is basic and polar, with asparagine, which is neutral and polar, at codon 610 of the EMC1 protein (p.Lys610Asn). This variant is not present in population databases (gnomAD no frequency). This variant has not been reported in the literature in individuals affected with EMC1-related conditions. ClinVar contains an entry for this variant (Variation ID: 985973). Algorithms developed to predict the effect of missense changes on protein structure and function are either unavailable or do not agree on the potential impact of this missense change (SIFT: "Tolerated"; PolyPhen-2: "Possibly Damaging"; Align-GVGD: "Class C0"). In summary, the available evidence is currently insufficient to determine the role of this variant in disease. Therefore, it has been classified as a Variant of Uncertain Significance.

Ambry Genetics
Classification: Uncertain significance for Inborn genetic diseases. Last evaluated: 2019-11-11. Review status: criteria provided, single submitter. Criteria: Ambry exome assertion method (8-5-2015). Collection method: clinical testing. Allele origin: germline. Affected: yes. Observed: 1 variant allele.

NM_015047.3(EMC1):c.1830G>T (p.Lys610Asn)

Genes: EMC1-AS1 (EMC1 antisense RNA 1; plus strand), EMC1 (ER membrane protein complex subunit 1; minus strand). Cytogenetic location: 1p36.13.
Variant type: single nucleotide variant.
Coding change: c.1830G>T on transcript NM_015047.3 (MANE Select); coding-DNA position 1830, G replaced by T.
Protein change: p.Lys610Asn; replaces lysine 610 with asparagine.
Molecular consequence: missense variant.
Genome position (GRCh38, 1-based): chr1:19,231,375, C>A on the plus strand (G>T on the coding strand, the complement: EMC1 is on the minus strand). VCF-style: chr1-19231375-C-A. GRCh37 (hg19) VCF-style: chr1-19557869-C-A.
Other names: c.1827G>T, p.Lys609Asn (NM_001271427.2, NM_001271428.2); c.1764G>T, p.Lys588Asn (NM_001271429.2); c.1839G>T, p.Lys613Asn (NM_001375820.1); c.1836G>T, p.Lys612Asn (NM_001375821.1); short protein forms K588N, K609N, K610N, K612N, K613N.
Identifiers: ClinVar variation 985973 (VCV000985973.7), dbSNP rs780784852, ClinGen allele CA338759728.